The following is an entry in ClinVar:

NM_001008212.2(OPTN):c.867G>C (p.Glu289Asp)

Gene: OPTN (optineurin; plus strand). Cytogenetic location: 10p13.
Variant type: single nucleotide variant.
Coding change: c.867G>C on transcript NM_001008212.2 (MANE Select); coding-DNA position 867, G replaced by C.
Protein change: p.Glu289Asp; replaces glutamic acid 289 with aspartic acid.
Molecular consequence: missense variant.
Genome position (GRCh38, 1-based): chr10:13,122,472, G>C. VCF-style: chr10-13122472-G-C. GRCh37 (hg19) VCF-style: chr10-13164472-G-C.
Other names: p.Glu289Asp; c.867G>C, p.Glu289Asp (NM_001008211.1, NM_001008213.1, NM_021980.4); short protein forms E289D.
Identifiers: ClinVar variation 877717 (VCV000877717.9), dbSNP rs143727251, ClinGen allele CA5410767.

ClinVar aggregate classification (germline): Conflicting classifications of pathogenicity. Review status: criteria provided, conflicting classifications (1 of 4 stars). 5 submissions from 4 submitters: Uncertain significance (4); Likely benign (1). Last evaluated 2024-03-24.

Conditions:
Inborn genetic diseases. Identifiers: MedGen C0950123, MeSH D030342.
Primary open angle glaucoma (POAG). Also called: OPTN-related open angle glaucoma. Identifiers: MedGen C0339573, MONDO:0100553, OMIM 137760.
Amyotrophic lateral sclerosis type 12 (ALS12). Also called: AMYOTROPHIC LATERAL SCLEROSIS 12 WITH OR WITHOUT FRONTOTEMPORAL DEMENTIA. Identifiers: Orphanet 803, MedGen C3150692, MONDO:0013264, OMIM 613435.
Glaucoma 1, open angle, E. Identifiers: MedGen C1842026, MONDO:0007665.

Allele frequency attached by ClinVar (database versions not stated): gnomAD 0.00001; gnomAD exomes 0.00001 and 0.00003; TOPMed 0.00001; ExAC 0.00002; ESP Exome Variant Server 0.00008.
gnomAD v4.1: 38 of 1,612,904 alleles (0.0024%); highest among the groups gnomAD compares: Non-Finnish European, 0.0031%; no homozygotes.

Submissions (5):

Labcorp Genetics (formerly Invitae), Labcorp
Classification: Uncertain significance for Primary open angle glaucoma; Glaucoma 1, open angle, E; Amyotrophic lateral sclerosis type 12. Last evaluated: 2024-03-24. Review status: criteria provided, single submitter. Criteria: Invitae Variant Classification Sherloc (09022015). Collection method: clinical testing. Allele origin: germline.
Comment: This sequence change replaces glutamic acid, which is acidic and polar, with aspartic acid, which is acidic and polar, at codon 289 of the OPTN protein (p.Glu289Asp). This variant is present in population databases (rs143727251, gnomAD 0.003%). This variant has not been reported in the literature in individuals affected with OPTN-related conditions. ClinVar contains an entry for this variant (Variation ID: 877717). Advanced modeling of protein sequence and biophysical properties (such as structural, functional, and spatial information, amino acid conservation, physicochemical variation, residue mobility, and thermodynamic stability) performed at Invitae indicates that this missense variant is not expected to disrupt OPTN protein function with a negative predictive value of 80%. In summary, the available evidence is currently insufficient to determine the role of this variant in disease. Therefore, it has been classified as a Variant of Uncertain Significance.

Ambry Genetics
Classification: Uncertain significance for Inborn genetic diseases. Last evaluated: 2024-03-05. Review status: criteria provided, single submitter. Criteria: Ambry Variant Classification Scheme 2023. Collection method: clinical testing. Allele origin: germline.

Mayo Clinic Laboratories, Mayo Clinic
Classification: Uncertain significance. Last evaluated: 2023-08-18. Review status: criteria provided, single submitter. Criteria: ACMG Guidelines, 2015. Collection method: clinical testing. Allele origin: germline. Observed: 1 variant allele.
Comment: BP4

Illumina Laboratory Services, Illumina
Classification: Uncertain significance for Amyotrophic lateral sclerosis type 12. Last evaluated: 2018-01-13. Review status: criteria provided, single submitter. Criteria: ICSL Variant Classification Criteria 13 December 2019. Collection method: clinical testing. Allele origin: germline.

Illumina Laboratory Services, Illumina
Classification: Likely benign for Primary open angle glaucoma. Last evaluated: 2018-01-13. Review status: criteria provided, single submitter. Criteria: ICSL Variant Classification Criteria 13 December 2019. Collection method: clinical testing. Allele origin: germline.
Comment: This variant was observed in the ICSL laboratory as part of a predisposition screen in an ostensibly healthy population. It had not been previously curated by ICSL or reported in the Human Gene Mutation Database (HGMD: prior to June 1st, 2018), and was therefore a candidate for classification through an automated scoring system. Utilizing variant allele frequency, disease prevalence and penetrance estimates, and inheritance mode, an automated score was calculated to assess if this variant is too frequent to cause the disease. Based on the score and internal cut-off values, a variant classified as likely benign is not then subjected to further curation. The score for this variant resulted in a classification of likely benign for this disease.